The following is an entry in ClinVar:

NM_000294.3(PHKG2):c.900G>A (p.Trp300Ter)

Gene: PHKG2 (phosphorylase kinase catalytic subunit gamma 2; plus strand). Cytogenetic location: 16p11.2.
Variant type: single nucleotide variant.
Coding change: c.900G>A on transcript NM_000294.3 (MANE Select); coding-DNA position 900, G replaced by A.
Protein change: p.Trp300Ter; replaces tryptophan 300 with a stop codon.
Molecular consequence: nonsense.
Genome position (GRCh38, 1-based): chr16:30,756,688, G>A. VCF-style: chr16-30756688-G-A. GRCh37 (hg19) VCF-style: chr16-30768009-G-A.
Other names: c.900G>A, p.Trp300Ter (NM_001172432.2); short protein forms W300*.
Identifiers: ClinVar variation 2736338 (VCV002736338.3), dbSNP rs1410139220, ClinGen allele CA395659493.

ClinVar aggregate classification (germline): Pathogenic (1 of 4 stars; one submission).

Conditions:
Glycogen storage disease IXc (GSD9C). Also called: GSD IXc. Identifiers: Orphanet 264580, MedGen C2751643, MONDO:0013091, OMIM 613027.

Allele frequency attached by ClinVar (database versions not stated): gnomAD exomes below 0.00001; TOPMed below 0.00001.
gnomAD v4.1: 1 of 1,614,014 alleles (0.000062%); highest among the groups gnomAD compares: Non-Finnish European, 0.000085%; no homozygotes.

Submission:

Labcorp Genetics (formerly Invitae), Labcorp
Classification: Pathogenic for Glycogen storage disease IXc. Last evaluated: 2023-11-09. Review status: criteria provided, single submitter. Criteria: Invitae Variant Classification Sherloc (09022015). Collection method: clinical testing. Allele origin: germline.
Comment: This sequence change creates a premature translational stop signal (p.Trp300*) in the PHKG2 gene. While this is not anticipated to result in nonsense mediated decay, it is expected to disrupt the last 107 amino acid(s) of the PHKG2 protein. This variant is not present in population databases (gnomAD no frequency). This premature translational stop signal has been observed in individual(s) with clinical features of autosomal recessive glycogen storage disease, type IXc (PMID: 12930917, 24389071). In at least one individual the data is consistent with being in trans (on the opposite chromosome) from a pathogenic variant. This variant disrupts a region of the PHKG2 protein in which other variant(s) (p.Arg320Aspfs*5) have been determined to be pathogenic (PMID: 35549678; Invitae). This suggests that this is a clinically significant region of the protein, and that variants that disrupt it are likely to be disease-causing. For these reasons, this variant has been classified as Pathogenic.

Literature cited by the submitters: PubMed 12930917; PubMed 24389071; PubMed 35549678.